The following is an entry in ClinVar:

ClinVar aggregate classification (germline): Uncertain significance (1 of 4 stars; one submission).

Conditions:
Hereditary cancer-predisposing syndrome. Also called: Neoplastic Syndromes, Hereditary; Tumor predisposition; Hereditary neoplastic syndrome; Hereditary Cancer Syndrome. Identifiers: Orphanet 140162, MedGen C0027672, MeSH D009386, MONDO:0015356.

Submission:

Ambry Genetics
Classification: Uncertain significance for Hereditary cancer-predisposing syndrome. Last evaluated: 2023-10-19. Review status: criteria provided, single submitter. Criteria: Ambry Variant Classification Scheme 2023. Collection method: clinical testing. Allele origin: germline.
Comment: The p.S442I variant (also known as c.1325G>T), located in coding exon 11 of the CHEK2 gene, results from a G to T substitution at nucleotide position 1325. The serine at codon 442 is replaced by isoleucine, an amino acid with dissimilar properties. This amino acid position is conserved. In addition, this alteration is predicted to be tolerated by in silico analysis. Since supporting evidence is limited at this time, the clinical significance of this alteration remains unclear.

NM_007194.4(CHEK2):c.1325G>T (p.Ser442Ile)

Gene: CHEK2 (checkpoint kinase 2; minus strand). Cytogenetic location: 22q12.1.
Variant type: single nucleotide variant.
Coding change: c.1325G>T on transcript NM_007194.4 (MANE Select); coding-DNA position 1325, G replaced by T.
Protein change: p.Ser442Ile; replaces serine 442 with isoleucine.
Molecular consequence: missense variant.
Genome position (GRCh38, 1-based): chr22:28,695,177, C>A on the plus strand (G>T on the coding strand, the complement: CHEK2 is on the minus strand). VCF-style: chr22-28695177-C-A. GRCh37 (hg19) VCF-style: chr22-29091165-C-A.
Other names: c.1454G>T, p.Ser485Ile (NM_001005735.3); c.662G>T, p.Ser221Ile (NM_001257387.3); c.1124G>T, p.Ser375Ile (NM_001349956.3); c.1238G>T, p.Ser413Ile (NM_145862.3); short protein forms S221I, S375I, S413I, S442I, S485I.
Identifiers: ClinVar variation 3226022 (VCV003226022.1), dbSNP rs779383555, ClinGen allele CA411095870.